The following is an entry in ClinVar:

NM_177438.3(DICER1):c.1377-213G>A

Gene: DICER1 (dicer 1, ribonuclease III; minus strand). Cytogenetic location: 14q32.13.
Variant type: single nucleotide variant.
Coding change: c.1377-213G>A on transcript NM_177438.3 (MANE Select); 213 bases into the intron before coding-DNA position 1377, G replaced by A.
Molecular consequence: intron variant. On other transcripts: non-coding transcript variant (1).
Genome position (GRCh38, 1-based): chr14:95,117,967, C>T on the plus strand (G>A on the coding strand, the complement: DICER1 is on the minus strand). VCF-style: chr14-95117967-C-T. GRCh37 (hg19) VCF-style: chr14-95584304-C-T.
Other names: c.1377-213G>A (NM_001291628.2, NM_030621.4, NM_001395677.1 and 12 more transcripts); c.972-213G>A (NM_001395690.1, NM_001395687.1, NM_001395689.1 and 3 more transcripts); c.1095-213G>A (NM_001395686.1); c.810-213G>A (NM_001395691.1); c.-192-213G>A (NM_001395697.1).
Identifiers: ClinVar variation 2644491 (VCV002644491.24), dbSNP rs558050256, ClinGen allele CA265917523.
Genomic context (GRCh38, chr14:95,117,967, plus strand): 5'-GAAATCACTGTCACTCTTCACCACATAGATCTGTGGACCAAGTACTTATAACGCCAAATA[C>T]AAGATTGGTTTGTACTGACAAATGAAATGGTCACGTTACCTCCAACAGCTGATTTGGCGA-3'

ClinVar aggregate classification (germline): Benign (1 of 4 stars; one submission).

Allele frequency attached by ClinVar (database versions not stated): 1000 Genomes Project 30x 0.00094; 1000 Genomes Project 0.00100; TOPMed 0.00149; gnomAD 0.00154.
gnomAD v4.1: 231 of 152,278 alleles (0.15%); highest among the groups gnomAD compares: Admixed American, 0.16%; 1 homozygote.

Submission:

CeGaT Center for Human Genetics Tuebingen
Classification: Benign. Last evaluated: 2022-05-01. Review status: criteria provided, single submitter. Criteria: CeGaT Center For Human Genetics Tuebingen Variant Classification Criteria Version 2. Collection method: clinical testing. Allele origin: germline. Affected: yes. Observed: 1 variant allele.
Comment: DICER1: BS1, BS2